The following is an entry in ClinVar:

NM_001139.3(ALOX12B):c.1448A>G (p.Asn483Ser)

Gene: ALOX12B (arachidonate 12-lipoxygenase, 12R type; minus strand). Cytogenetic location: 17p13.1.
Variant type: single nucleotide variant.
Coding change: c.1448A>G on transcript NM_001139.3 (MANE Select); coding-DNA position 1448, A replaced by G.
Protein change: p.Asn483Ser; replaces asparagine 483 with serine.
Molecular consequence: missense variant.
Genome position (GRCh38, 1-based): chr17:8,076,259, T>C on the plus strand (A>G on the coding strand, the complement: ALOX12B is on the minus strand). VCF-style: chr17-8076259-T-C. GRCh37 (hg19) VCF-style: chr17-7979577-T-C.
Other names: short protein forms N483S.
Identifiers: ClinVar variation 3233798 (VCV003233798.2), dbSNP rs374296227, ClinGen allele CA8367299.

ClinVar aggregate classification (germline): Uncertain significance (1 of 4 stars; one submission).

Allele frequency attached by ClinVar (database versions not stated): gnomAD 0.00001; TOPMed 0.00001; ExAC 0.00002; ESP Exome Variant Server 0.00008.
gnomAD v4.1: 13 of 1,614,002 alleles (0.00081%); highest among the groups gnomAD compares: African/African-American, 0.0013%; no homozygotes.

Submission:

Women's Health and Genetics/Laboratory Corporation of America, LabCorp
Classification: Uncertain significance. Last evaluated: 2024-03-22. Review status: criteria provided, single submitter. Criteria: LabCorp Variant Classification Summary - May 2015. Collection method: clinical testing. Allele origin: germline.
Comment: Variant summary: ALOX12B c.1448A>G (p.Asn483Ser) results in a conservative amino acid change located in the lipoxygenase, C-terminal domain (IPR013819) of the encoded protein sequence. Four of five in-silico tools predict a benign effect of the variant on protein function. The variant allele was found at a frequency of 8e-06 in 251298 control chromosomes (gnomAD). The available data on variant occurrences in the general population are insufficient to allow any conclusion about variant significance. c.1448A>G has been reported in the literature as a compound heterozygous genotype in an individual affected with Lamellar Ichthyosis (Borska_2019). These data do not allow any conclusion about variant significance. To our knowledge, no experimental evidence demonstrating an impact on protein function has been reported. The following publication have been ascertained in the context of this evaluation (PMID: 31046801). No submitters have cited clinical-significance assessments for this variant to ClinVar. Based on the evidence outlined above, the variant was classified as uncertain significance.

Literature cited by the submitters: PubMed 31046801.